The following is an entry in ClinVar:

ClinVar aggregate classification (germline): Uncertain significance (1 of 4 stars; one submission).

Conditions:
Familial meningioma. Also called: Meningioma, familial, susceptibility to. Identifiers: Orphanet 263662, MedGen C3551915, MONDO:0011789, OMIM 607174.

Submission:

Labcorp Genetics (formerly Invitae), Labcorp
Classification: Uncertain significance for Familial meningioma. Last evaluated: 2021-05-25. Review status: criteria provided, single submitter. Criteria: Invitae Variant Classification Sherloc (09022015). Collection method: clinical testing. Allele origin: germline.
Comment: In summary, the available evidence is currently insufficient to determine the role of this variant in disease. Therefore, it has been classified as a Variant of Uncertain Significance. Algorithms developed to predict the effect of missense changes on protein structure and function (SIFT, PolyPhen-2, Align-GVGD) all suggest that this variant is likely to be tolerated, but these predictions have not been confirmed by published functional studies and their clinical significance is uncertain. This variant has not been reported in the literature in individuals with SMARCE1-related conditions. This variant is not present in population databases (ExAC no frequency). This sequence change replaces glutamic acid with aspartic acid at codon 154 of the SMARCE1 protein (p.Glu154Asp). The glutamic acid residue is highly conserved and there is a small physicochemical difference between glutamic acid and aspartic acid.

NM_003079.5(SMARCE1):c.462G>C (p.Glu154Asp)

Gene: SMARCE1 (SWI/SNF related BAF chromatin remodeling complex subunit E1; minus strand). Cytogenetic location: 17q21.2.
Variant type: single nucleotide variant.
Coding change: c.462G>C on transcript NM_003079.5 (MANE Select); coding-DNA position 462, G replaced by C.
Protein change: p.Glu154Asp; replaces glutamic acid 154 with aspartic acid.
Molecular consequence: missense variant.
Genome position (GRCh38, 1-based): chr17:40,636,010, C>G on the plus strand (G>C on the coding strand, the complement: SMARCE1 is on the minus strand). VCF-style: chr17-40636010-C-G. GRCh37 (hg19) VCF-style: chr17-38792262-C-G.
Other names: short protein forms E154D.
Identifiers: ClinVar variation 1383743 (VCV001383743.8), dbSNP rs2143996251, ClinGen allele CA399366470.